The following is an entry in ClinVar:

ClinVar aggregate classification (germline): Uncertain significance (1 of 4 stars; one submission).

gnomAD v4.1: 3 of 1,380,526 alleles (0.00022%); highest among the groups gnomAD compares: South Asian, 0.0016%; no homozygotes.

Submission:

Labcorp Genetics (formerly Invitae), Labcorp
Classification: Uncertain significance. Last evaluated: 2024-05-16. Review status: criteria provided, single submitter. Criteria: Invitae Variant Classification Sherloc (09022015). Collection method: clinical testing. Allele origin: germline.
Comment: This sequence change replaces alanine, which is neutral and non-polar, with valine, which is neutral and non-polar, at codon 1176 of the GRIN2D protein (p.Ala1176Val). This variant is not present in population databases (gnomAD no frequency). This variant has not been reported in the literature in individuals affected with GRIN2D-related conditions. Advanced modeling of protein sequence and biophysical properties (such as structural, functional, and spatial information, amino acid conservation, physicochemical variation, residue mobility, and thermodynamic stability) performed at Invitae indicates that this missense variant is not expected to disrupt GRIN2D protein function with a negative predictive value of 95%. In summary, the available evidence is currently insufficient to determine the role of this variant in disease. Therefore, it has been classified as a Variant of Uncertain Significance.

NM_000836.4(GRIN2D):c.3527C>T (p.Ala1176Val)

Gene: GRIN2D (glutamate ionotropic receptor NMDA type subunit 2D; plus strand). Cytogenetic location: 19q13.33.
Variant type: single nucleotide variant.
Coding change: c.3527C>T on transcript NM_000836.4 (MANE Select); coding-DNA position 3527, C replaced by T.
Protein change: p.Ala1176Val; replaces alanine 1176 with valine.
Molecular consequence: missense variant.
Genome position (GRCh38, 1-based): chr19:48,443,453, C>T. VCF-style: chr19-48443453-C-T. GRCh37 (hg19) VCF-style: chr19-48946710-C-T.
Other names: short protein forms A1176V.
Identifiers: ClinVar variation 3636287 (VCV003636287.2).